The following is an entry in ClinVar:

ClinVar aggregate classification (germline): Uncertain significance (1 of 4 stars; one submission).

Conditions:
Early Myoclonic Encephalopathy. Identifiers: MedGen C0270855.

Allele frequency attached by ClinVar (database versions not stated): gnomAD exomes 0.00001 and below 0.00001; TOPMed 0.00001.
gnomAD v4.1: 16 of 1,613,996 alleles (0.00099%); highest among the groups gnomAD compares: Middle Eastern, 0.017%; no homozygotes.

Submission:

Labcorp Genetics (formerly Invitae), Labcorp
Classification: Uncertain significance for Early Myoclonic Encephalopathy. Last evaluated: 2024-12-09. Review status: criteria provided, single submitter. Criteria: Invitae Variant Classification Sherloc (09022015). Collection method: clinical testing. Allele origin: germline.
Comment: This sequence change replaces isoleucine, which is neutral and non-polar, with valine, which is neutral and non-polar, at codon 2424 of the JMJD1C protein (p.Ile2424Val). This variant is present in population databases (rs773110764, gnomAD 0.0009%). This variant has not been reported in the literature in individuals affected with JMJD1C-related conditions. ClinVar contains an entry for this variant (Variation ID: 1024401). Invitae Evidence Modeling of protein sequence and biophysical properties (such as structural, functional, and spatial information, amino acid conservation, physicochemical variation, residue mobility, and thermodynamic stability) indicates that this missense variant is not expected to disrupt JMJD1C protein function with a negative predictive value of 80%. In summary, the available evidence is currently insufficient to determine the role of this variant in disease. Therefore, it has been classified as a Variant of Uncertain Significance.

NM_032776.3(JMJD1C):c.7270A>G (p.Ile2424Val)

Gene: JMJD1C (jumonji domain containing 1C; minus strand). Cytogenetic location: 10q21.3.
Variant type: single nucleotide variant.
Coding change: c.7270A>G on transcript NM_032776.3 (MANE Select); coding-DNA position 7270, A replaced by G.
Protein change: p.Ile2424Val; replaces isoleucine 2424 with valine.
Molecular consequence: missense variant. On other transcripts: non-coding transcript variant (1).
Genome position (GRCh38, 1-based): chr10:63,176,428, T>C on the plus strand (A>G on the coding strand, the complement: JMJD1C is on the minus strand). VCF-style: chr10-63176428-T-C. GRCh37 (hg19) VCF-style: chr10-64936188-T-C.
Other names: c.6724A>G, p.Ile2242Val (NM_001318154.2, NM_001282948.2); c.7156A>G, p.Ile2386Val (NM_001322252.2); c.6613A>G, p.Ile2205Val (NM_001322254.2, NM_001322258.2); c.6406A>G, p.Ile2136Val (NM_001318153.2); short protein forms I2136V, I2205V, I2242V, I2386V, I2424V.
Identifiers: ClinVar variation 1024401 (VCV001024401.8), dbSNP rs773110764, ClinGen allele CA208347808.